The following is an entry in ClinVar:

ClinVar aggregate classification (germline): Uncertain significance (1 of 4 stars; one submission).

Conditions:
Hereditary cancer-predisposing syndrome. Also called: Tumor predisposition; Neoplastic Syndromes, Hereditary; Hereditary Cancer Syndrome; Hereditary neoplastic syndrome. Identifiers: Orphanet 140162, MedGen C0027672, MeSH D009386, MONDO:0015356.

Submission:

Ambry Genetics
Classification: Uncertain significance for Hereditary cancer-predisposing syndrome. Last evaluated: 2024-10-29. Review status: criteria provided, single submitter. Criteria: Ambry Variant Classification Scheme 2023. Collection method: clinical testing. Allele origin: germline.
Comment: The p.W63C variant (also known as c.189G>C), located in coding exon 2 of the BRIP1 gene, results from a G to C substitution at nucleotide position 189. The tryptophan at codon 63 is replaced by cysteine, an amino acid with highly dissimilar properties. This amino acid position is highly conserved in available vertebrate species. In addition, this alteration is predicted to be deleterious by in silico analysis. Based on the available evidence, the clinical significance of this variant remains unclear.

NM_032043.3(BRIP1):c.189G>C (p.Trp63Cys)

Gene: BRIP1 (BRCA1 interacting DNA helicase 1; minus strand). Cytogenetic location: 17q23.2.
Variant type: single nucleotide variant.
Coding change: c.189G>C on transcript NM_032043.3 (MANE Select); coding-DNA position 189, G replaced by C.
Protein change: p.Trp63Cys; replaces tryptophan 63 with cysteine.
Molecular consequence: missense variant.
Genome position (GRCh38, 1-based): chr17:61,859,812, C>G on the plus strand (G>C on the coding strand, the complement: BRIP1 is on the minus strand). VCF-style: chr17-61859812-C-G. GRCh37 (hg19) VCF-style: chr17-59937173-C-G.
Other names: short protein forms W63C.
Identifiers: ClinVar variation 3482464 (VCV003482464.1).
Genomic context (GRCh38, chr17:61,859,812, plus strand): 5'-TCAGATCCCAGTAAGTAACCTGAAGATATCAAGCAACTACTTACCACTAAGAGATTGTTG[C>G]CATGCTAAAGCAGAACAAAGTAAGGCTAAGCTTTTTCCACTTCCTGTGGGACTCTCCAAC-3'
Protein context (NP_114432.2, residues 53-73): SLALLCSALA[Trp63Cys]QQSLSGKPAD